The following is an entry in ClinVar:

NM_015001.3(SPEN):c.2190C>G (p.His730Gln)

Gene: SPEN (spen family transcriptional repressor; plus strand). Cytogenetic location: 1p36.13.
Variant type: single nucleotide variant.
Coding change: c.2190C>G on transcript NM_015001.3 (MANE Select); coding-DNA position 2190, C replaced by G.
Protein change: p.His730Gln; replaces histidine 730 with glutamine.
Molecular consequence: missense variant.
Genome position (GRCh38, 1-based): chr1:15,928,430, C>G. VCF-style: chr1-15928430-C-G. GRCh37 (hg19) VCF-style: chr1-16254925-C-G.
Other names: short protein forms H730Q.
Identifiers: ClinVar variation 2638306 (VCV002638306.24), dbSNP rs1374247469, ClinGen allele CA338598682.

ClinVar aggregate classification (germline): Uncertain significance (1 of 4 stars; one submission).

Allele frequency attached by ClinVar (database versions not stated): gnomAD exomes below 0.00001.
gnomAD v4.1: 2 of 1,614,112 alleles (0.00012%); highest among the groups gnomAD compares: Non-Finnish European, 0.00017%; no homozygotes.

Submission:

CeGaT Center for Human Genetics Tuebingen
Classification: Uncertain significance. Last evaluated: 2023-02-01. Review status: criteria provided, single submitter. Criteria: CeGaT Center For Human Genetics Tuebingen Variant Classification Criteria Version 2. Collection method: clinical testing. Allele origin: germline. Affected: yes. Observed: 1 variant allele.
Comment: SPEN: PM2